The following is an entry in ClinVar:

NM_004826.4(ECEL1):c.210C>T (p.Ala70=)

Gene: ECEL1 (endothelin converting enzyme like 1; minus strand). Cytogenetic location: 2q37.1.
Variant type: single nucleotide variant.
Coding change: c.210C>T on transcript NM_004826.4 (MANE Select); coding-DNA position 210, C replaced by T.
Protein change: p.Ala70=; no amino-acid change (alanine 70 retained).
Molecular consequence: synonymous variant.
Genome position (GRCh38, 1-based): chr2:232,486,444, G>A on the plus strand (C>T on the coding strand, the complement: ECEL1 is on the minus strand). VCF-style: chr2-232486444-G-A. GRCh37 (hg19) VCF-style: chr2-233351154-G-A.
Other names: c.210C>T, p.Ala70= (NM_001290787.2).
Identifiers: ClinVar variation 3061540 (VCV003061540.2), dbSNP rs1690731472, ClinGen allele CA431951309.

ClinVar aggregate classification (germline): Likely benign (0 of 4 stars; one submission).

Conditions:
ECEL1-related disorder. Also called: ECEL1-related condition.

Allele frequency attached by ClinVar (database versions not stated): gnomAD exomes below 0.00001; TOPMed below 0.00001.
gnomAD v4.1: 2 of 1,455,186 alleles (0.00014%); highest among the groups gnomAD compares: East Asian, 0.0029%; no homozygotes.

Submission:

PreventionGenetics, part of Exact Sciences
Classification: Likely benign for ECEL1-related condition. Last evaluated: 2021-06-08. Review status: no assertion criteria provided. Collection method: clinical testing. Allele origin: germline.
Comment: This variant is classified as likely benign based on ACMG/AMP sequence variant interpretation guidelines (Richards et al. 2015 PMID: 25741868, with internal and published modifications).